The following is an entry in ClinVar:

ClinVar aggregate classification (germline): Pathogenic (1 of 4 stars; one submission).

Conditions:
X-linked spasticity-intellectual disability-epilepsy syndrome. Identifiers: Orphanet 3175, MedGen C4510949, MONDO:0017856.

Submission:

Fulgent Genetics
Classification: Pathogenic for X-linked spasticity-intellectual disability-epilepsy syndrome. Last evaluated: 2021-05-20. Review status: criteria provided, single submitter. Criteria: ACMG Guidelines, 2015. Collection method: clinical testing. Allele origin: unknown. Inheritance: X-linked inheritance. Affected: yes. Observed: 1 variant allele, 1 heterozygote.
Comment: This frameshift variant, p.Ala469Aspfs*20, is the result of the deletion of 10 base pairs, which leads to an out-of-frame transcript and the introduction of a premature stop codon. This variant is predicted to result in loss of function of the protein product of the ARX gene, either as the result of protein truncation or of nonsense-mediated mRNA decay. Several truncating variants downstream of this position have been reported to be pathogenic (PubMed: 15248097, 23039062, 18462864, 21426321, 20384723). This variant is absent from the entire Broad dataset (individuals without severe childhood-onset disease).

NM_139058.3(ARX):c.1406_1415del (p.Ala469fs)

Gene: ARX (aristaless related homeobox; minus strand). Cytogenetic location: Xp21.3.
Variant type: Deletion.
Coding change: c.1406_1415del on transcript NM_139058.3 (MANE Select); coding-DNA positions 1406 to 1415, 10 bases deleted (CAGTGTTCCG; older notation c.1406_1415delCAGTGTTCCG).
Protein change: p.Ala469fs; shifts the reading frame from alanine 469.
Molecular consequence: frameshift variant.
Genome position (GRCh38, 1-based): chrX:25,007,144-25,007,153, CGGAACACTG deleted on the plus strand (CAGTGTTCCG on the coding strand, the reverse complement: ARX is on the minus strand); deleting any 10 consecutive bases within chrX:25,007,144-25,007,154 gives the same sequence; the c. name uses the placement nearest the transcript's 3' end. VCF-style (leftmost placement, unchanged base first): chrX-25007143-TCGGAACACTG-T. GRCh37 (hg19) VCF-style: chrX-25025260-TCGGAACACTG-T.
Other names: short protein forms A469fs.
Identifiers: ClinVar variation 1164076 (VCV001164076.3), dbSNP rs2147320332, ClinGen allele CA2499226602.